The following is an entry in ClinVar:

ClinVar aggregate classification (germline): Benign (0 of 4 stars; one submission).

Conditions:
SDK2-related disorder. Also called: SDK2-related condition.

Allele frequency attached by ClinVar (database versions not stated): ExAC 0.00150; 1000 Genomes Project 30x 0.00297; 1000 Genomes Project 0.00300; gnomAD 0.00322; TOPMed 0.00323; ESP Exome Variant Server 0.00460.
gnomAD v4.1: 924 of 1,550,816 alleles (0.06%); highest among the groups gnomAD compares: African/African-American, 1.1%; 6 homozygotes.

Submission:

PreventionGenetics, part of Exact Sciences
Classification: Benign for SDK2-related condition. Last evaluated: 2019-10-28. Review status: no assertion criteria provided. Collection method: clinical testing. Allele origin: germline.
Comment: This variant is classified as benign based on ACMG/AMP sequence variant interpretation guidelines (Richards et al. 2015 PMID: 25741868, with internal and published modifications).

NM_001144952.2(SDK2):c.9G>A (p.Gly3=)

Gene: SDK2 (sidekick cell adhesion molecule 2; minus strand). Cytogenetic location: 17q25.1.
Variant type: single nucleotide variant.
Coding change: c.9G>A on transcript NM_001144952.2 (MANE Select); coding-DNA position 9, G replaced by A.
Protein change: p.Gly3=; no amino-acid change (glycine 3 retained).
Molecular consequence: synonymous variant.
Genome position (GRCh38, 1-based): chr17:73,644,080, C>T on the plus strand (G>A on the coding strand, the complement: SDK2 is on the minus strand). VCF-style: chr17-73644080-C-T. GRCh37 (hg19) VCF-style: chr17-71640219-C-T.
Identifiers: ClinVar variation 3043030 (VCV003043030.2), dbSNP rs145194705, ClinGen allele CA8744167.